The following is an entry in ClinVar:

NM_001039141.3(TRIOBP):c.6472+13_6472+14insT

Gene: TRIOBP (TRIO and F-actin binding protein; plus strand). Cytogenetic location: 22q13.1.
Variant type: Insertion.
Coding change: c.6472+13_6472+14insT on transcript NM_001039141.3 (MANE Select); bases 13 to 14 of the intron after coding-DNA position 6472, T inserted.
Molecular consequence: intron variant.
Genome position: GRCh38 VCF-style: chr22-37765830-G-GT. GRCh37 (hg19) VCF-style: chr22-38161837-G-GT.
Other names: c.1333+13_1333+14insT (NM_007032.5).
Identifiers: ClinVar variation 286671 (VCV000286671.17), dbSNP rs541980281, ClinGen allele CA10225040.

ClinVar aggregate classification (germline): Conflicting classifications of pathogenicity. Review status: criteria provided, conflicting classifications (1 of 4 stars). 4 submissions from 4 submitters: Uncertain significance (1); Benign (1); Likely benign (2). Last evaluated 2025-08-04.

Conditions:
Autosomal recessive nonsyndromic hearing loss 28. Identifiers: Orphanet 90636, MedGen C1853276, MONDO:0012355, OMIM 609823.

Allele frequency attached by ClinVar (database versions not stated): TOPMed 0.00049; 1000 Genomes Project 0.00060.

Submissions (4):

Labcorp Genetics (formerly Invitae), Labcorp
Classification: Likely benign. Last evaluated: 2025-08-04. Review status: criteria provided, single submitter. Criteria: Invitae Variant Classification Sherloc (09022015). Collection method: clinical testing. Allele origin: germline.

Blueprint Genetics
Classification: Likely benign. Last evaluated: 2024-11-25. Review status: criteria provided, single submitter. Criteria: ACMG Guidelines, 2015. Collection method: clinical testing. Allele origin: germline.

ARUP Laboratories, Molecular Genetics and Genomics, ARUP Laboratories
Classification: Uncertain significance for Autosomal recessive nonsyndromic hearing loss 28. Last evaluated: 2020-11-18. Review status: criteria provided, single submitter. Criteria: ARUP Molecular Germline Variant Investigation Process 2021. Collection method: clinical testing. Allele origin: germline.
Comment: The TRIOBP c.6472+13_6472+14insT; p.? variant (rs541980281), to our knowledge, is not reported in the medical literature but is reported in ClinVar (Variation ID: 286671). This variant is found in the general population with an allele frequency of 0.036% (84/233,928 alleles) in the Genome Aggregation Database. This is an intronic variant in a weakly conserved nucleotide, but computational analyses (Alamut v.2.11) predict that this variant may impact splicing by creating a novel cryptic splice site. Due to limited information, the clinical significance of this variant is uncertain at this time.

Eurofins Ntd Llc (ga)
Classification: Benign. Last evaluated: 2016-04-07. Review status: criteria provided, single submitter. Criteria: EGL Classification Definitions 2015. Collection method: clinical testing. Allele origin: germline. Observed: 1 variant allele, 1 heterozygote.